The following is an entry in ClinVar:

ClinVar aggregate classification (germline): Uncertain significance (1 of 4 stars; one submission).

Allele frequency attached by ClinVar (database versions not stated): gnomAD 0.00001.

Submission:

Women's Health and Genetics/Laboratory Corporation of America, LabCorp
Classification: Uncertain significance. Last evaluated: 2024-04-18. Review status: criteria provided, single submitter. Criteria: LabCorp Variant Classification Summary - May 2015. Collection method: clinical testing. Allele origin: germline.
Comment: Variant summary: LCA5 c.1322A>G (p.Tyr441Cys) results in a non-conservative amino acid change in the encoded protein sequence. Four of five in-silico tools predict a benign effect of the variant on protein function. The variant was absent in 249622 control chromosomes (gnomAD). c.1322A>G has been reported in the literature in individuals affected with Cone dystrophy (Chen_2016). These data indicate that the variant may be associated with disease. To our knowledge, no experimental evidence demonstrating an impact on protein function has been reported. The following publication has been ascertained in the context of this evaluation (PMID: 27067258). No submitters have cited clinical-significance assessments for this variant to ClinVar. Based on the evidence outlined above, the variant was classified as VUS-possibly pathogenic.

Literature cited by the submitters: PubMed 27067258.

NM_001122769.3(LCA5):c.1322A>G (p.Tyr441Cys)

Gene: LCA5 (lebercilin LCA5; minus strand). Cytogenetic location: 6q14.1.
Variant type: single nucleotide variant.
Coding change: c.1322A>G on transcript NM_001122769.3 (MANE Select); coding-DNA position 1322, A replaced by G.
Protein change: p.Tyr441Cys; replaces tyrosine 441 with cysteine.
Molecular consequence: missense variant.
Genome position (GRCh38, 1-based): chr6:79,487,776, T>C on the plus strand (A>G on the coding strand, the complement: LCA5 is on the minus strand). VCF-style: chr6-79487776-T-C. GRCh37 (hg19) VCF-style: chr6-80197493-T-C.
Other names: c.1322A>G, p.Tyr441Cys (NM_181714.4); short protein forms Y441C.
Identifiers: ClinVar variation 3251869 (VCV003251869.1), dbSNP rs566723830.